The following is an entry in ClinVar:

ClinVar aggregate classification (germline): Uncertain significance (1 of 4 stars; one submission).

Conditions:
Fanconi anemia (FA). Also called: Fanconi's anemia. Identifiers: Orphanet 84, MedGen C0015625, MeSH D005199, MONDO:0019391.

Allele frequency attached by ClinVar (database versions not stated): gnomAD 0.00001.

Submission:

Labcorp Genetics (formerly Invitae), Labcorp
Classification: Uncertain significance for Fanconi anemia. Last evaluated: 2022-11-08. Review status: criteria provided, single submitter. Criteria: Invitae Variant Classification Sherloc (09022015). Collection method: clinical testing. Allele origin: germline.
Comment: In summary, the available evidence is currently insufficient to determine the role of this variant in disease. Therefore, it has been classified as a Variant of Uncertain Significance. Algorithms developed to predict the effect of sequence changes on RNA splicing suggest that this variant may disrupt the consensus splice site. Algorithms developed to predict the effect of missense changes on protein structure and function are either unavailable or do not agree on the potential impact of this missense change (SIFT: "Deleterious"; PolyPhen-2: "Benign"; Align-GVGD: "Class C0"). This variant has not been reported in the literature in individuals affected with FANCM-related conditions. This variant is not present in population databases (gnomAD no frequency). This sequence change replaces alanine, which is neutral and non-polar, with valine, which is neutral and non-polar, at codon 337 of the FANCM protein (p.Ala337Val).

NM_020937.4(FANCM):c.1010C>T (p.Ala337Val)

Gene: FANCM (FA complementation group M; plus strand). Cytogenetic location: 14q21.2.
Variant type: single nucleotide variant.
Coding change: c.1010C>T on transcript NM_020937.4 (MANE Select); coding-DNA position 1010, C replaced by T.
Protein change: p.Ala337Val; replaces alanine 337 with valine.
Molecular consequence: missense variant.
Genome position (GRCh38, 1-based): chr14:45,151,488, C>T. VCF-style: chr14-45151488-C-T. GRCh37 (hg19) VCF-style: chr14-45620691-C-T.
Other names: c.932C>T, p.Ala311Val (NM_001308133.2); c.1010C>T, p.Ala337Val (NM_001308134.2); short protein forms A337V, A311V.
Identifiers: ClinVar variation 2726564 (VCV002726564.3), dbSNP rs1886814069, ClinGen allele CA389590668.